The following is an entry in ClinVar:

NM_000051.4(ATM):c.1505C>G (p.Ala502Gly)

Gene: ATM (ATM serine/threonine kinase; plus strand). Cytogenetic location: 11q22.3.
Variant type: single nucleotide variant.
Coding change: c.1505C>G on transcript NM_000051.4 (MANE Select); coding-DNA position 1505, C replaced by G.
Protein change: p.Ala502Gly; replaces alanine 502 with glycine.
Molecular consequence: missense variant.
Genome position (GRCh38, 1-based): chr11:108,250,970, C>G. VCF-style: chr11-108250970-C-G. GRCh37 (hg19) VCF-style: chr11-108121697-C-G.
Other names: c.1505C>G, p.Ala502Gly (NM_001351834.2); short protein forms A502G.
Identifiers: ClinVar variation 422834 (VCV000422834.29), dbSNP rs766595156, ClinGen allele CA6264821.

ClinVar aggregate classification (germline): Conflicting classifications of pathogenicity. Review status: criteria provided, conflicting classifications (1 of 4 stars). 8 submissions from 8 submitters: Uncertain significance (6); Likely benign (1). 1 of the submissions does not count toward it. Last evaluated 2025-11-06.

Conditions:
Hereditary cancer-predisposing syndrome. Also called: Hereditary neoplastic syndrome; Hereditary Cancer Syndrome; Neoplastic Syndromes, Hereditary; Tumor predisposition. Identifiers: Orphanet 140162, MedGen C0027672, MeSH D009386, MONDO:0015356.
Familial cancer of breast. Also called: hereditary breast carcinoma; Hereditary breast cancer; BREAST CANCER, FAMILIAL. Identifiers: Orphanet 227535, MedGen C0346153, MONDO:0016419, OMIM 114480. Disease mechanism: loss of function.
Ataxia-telangiectasia syndrome (AT). Also called: Ataxia-telangiectasia, complementation group D; Cerebello-oculocutaneous telangiectasia; Immunodeficiency with ataxia telangiectasia; ATAXIA-TELANGIECTASIA, COMPLEMENTATION GROUP A; ATAXIA-TELANGIECTASIA, FRESNO VARIANT; LOUIS-BAR SYNDROME. Identifiers: Orphanet 100, MedGen C0004135, MONDO:0008840, OMIM 208900.

Allele frequency attached by ClinVar (database versions not stated): gnomAD exomes below 0.00001; ExAC 0.00001; gnomAD 0.00001; TOPMed 0.00002.
gnomAD v4.1: 2 of 1,613,964 alleles (0.00012%); highest among the groups gnomAD compares: African/African-American, 0.0027%; no homozygotes.

Submissions (8):

Ambry Genetics
Classification: Likely benign for Hereditary cancer-predisposing syndrome. Last evaluated: 2025-11-06. Review status: criteria provided, single submitter. Criteria: Ambry Variant Classification Scheme 2023. Collection method: clinical testing. Allele origin: germline.

Labcorp Genetics (formerly Invitae), Labcorp
Classification: Uncertain significance for Ataxia-telangiectasia syndrome. Last evaluated: 2025-10-27. Review status: criteria provided, single submitter. Criteria: Invitae Variant Classification Sherloc (09022015). Collection method: clinical testing. Allele origin: germline.
Comment: This sequence change replaces alanine, which is neutral and non-polar, with glycine, which is neutral and non-polar, at codon 502 of the ATM protein (p.Ala502Gly). This variant is present in population databases (rs766595156, gnomAD 0.007%). This variant has not been reported in the literature in individuals affected with ATM-related conditions. ClinVar contains an entry for this variant (Variation ID: 422834). Invitae Evidence Modeling of protein sequence and biophysical properties (such as structural, functional, and spatial information, amino acid conservation, physicochemical variation, residue mobility, and thermodynamic stability) indicates that this missense variant is not expected to disrupt ATM protein function with a negative predictive value of 95%. In summary, the available evidence is currently insufficient to determine the role of this variant in disease. Therefore, it has been classified as a Variant of Uncertain Significance.

Baylor Genetics
Classification: Uncertain significance for Familial cancer of breast. Last evaluated: 2023-12-06. Review status: criteria provided, single submitter. Criteria: ACMG Guidelines, 2015. Collection method: clinical testing. Allele origin: unknown.

Color Diagnostics, LLC DBA Color Health
Classification: Uncertain significance for Hereditary cancer-predisposing syndrome. Last evaluated: 2023-12-05. Review status: criteria provided, single submitter. Criteria: ACMG Guidelines, 2015. Collection method: clinical testing. Allele origin: germline.
Comment: This missense variant replaces alanine with glycine at codon 502 of the ATM protein. Computational prediction suggests that this variant may not impact protein structure and function (internally defined REVEL score threshold <= 0.5, PMID: 27666373). To our knowledge, functional studies have not been reported for this variant. This variant has not been reported in individuals affected with ATM-related disorders in the literature. This variant has been identified in 1/251254 chromosomes in the general population by the Genome Aggregation Database (gnomAD). The available evidence is insufficient to determine the role of this variant in disease conclusively. Therefore, this variant is classified as a Variant of Uncertain Significance.

Sema4
Classification: Uncertain significance for Hereditary cancer-predisposing syndrome. Last evaluated: 2021-11-24. Review status: criteria provided, single submitter. Criteria: Sema4 Curation Guidelines. Collection method: curation. Allele origin: germline.
Comment: The ATM c.1505C>G (p.A502G) variant has not been reported in the literature to our knowledge. It was observed in 1/16224 chromosomes of the African/African American subpopulation in the large and broad cohorts of the Genome Aggregation Database (PMID: 32461654). The variant has been reported in ClinVar (Variation ID: 422834). In silico tools suggest the impact of the variant on protein function is benign, though these predictions have not been confirmed by functional studies. The evidence is insufficient to meet ACMG/AMP criteria for classifying the variant as benign or pathogenic. Thus, the clinical significance of this variant is currently uncertain.

Athena Diagnostics
Classification: Uncertain significance. Last evaluated: 2021-08-05. Review status: criteria provided, single submitter. Criteria: Athena Diagnostics Criteria. Collection method: clinical testing. Allele origin: unknown.

GeneDx
Classification: Uncertain significance. Last evaluated: 2018-10-19. Review status: criteria provided, single submitter. Criteria: GeneDx Variant Classification (06012015). Collection method: clinical testing. Allele origin: germline. Affected: yes.
Comment: This variant is denoted ATM c.1505C>G at the cDNA level, p.Ala502Gly (A502G) at the protein level, and results in the change of an Alanine to a Glycine (GCT>GGT). This variant was observed in at least one individual with lung squamous cell carcinoma (Lu 2015). ATM Ala502Gly was not observed at a significant allele frequency in large population cohorts (Lek 2016). This variant is not located within a known functional domain. In silico analysis, which includes protein predictors and evolutionary conservation, supports that this variant does not alter protein structure/function. Based on currently available evidence, it is unclear whether ATM Ala502Gly is a pathogenic or benign variant. We consider it to be a variant of uncertain significance.

Natera, Inc.
Classification: Uncertain significance for Ataxia-telangiectasia. Last evaluated: 2020-12-08. Review status: no assertion criteria provided. Collection method: clinical testing. Allele origin: germline. Not counted in ClinVar's aggregate classification.

Literature cited by the submitters: PubMed 40580951 (cited by Ambry Genetics).